The following is an entry in ClinVar:

NM_001358921.2(COQ2):c.133C>A (p.Pro45Thr)

Genes: COQ2 (coenzyme Q2, polyprenyltransferase; minus strand), LOC112997540 (Sharpr-MPRA regulatory region 13773; plus strand). Cytogenetic location: 4q21.23.
Variant type: single nucleotide variant.
Coding change: c.133C>A on transcript NM_001358921.2 (MANE Select); coding-DNA position 133, C replaced by A.
Protein change: p.Pro45Thr; replaces proline 45 with threonine.
Molecular consequence: missense variant.
Genome position (GRCh38, 1-based): chr4:83,284,632, G>T on the plus strand (C>A on the coding strand, the complement: COQ2 is on the minus strand). VCF-style: chr4-83284632-G-T. GRCh37 (hg19) VCF-style: chr4-84205785-G-T.
Other names: c.283C>A, p.Pro95Thr (NM_015697.9); short protein forms P45T, P95T.
Identifiers: ClinVar variation 1992779 (VCV001992779.2), dbSNP rs772952822, ClinGen allele CA357231005.

ClinVar aggregate classification (germline): Uncertain significance (1 of 4 stars; one submission).

Allele frequency attached by ClinVar (database versions not stated): gnomAD 0.00002.
gnomAD v4.1: 5 of 1,509,136 alleles (0.00033%); highest among the groups gnomAD compares: Admixed American, 0.0065%; no homozygotes.

Submission:

Labcorp Genetics (formerly Invitae), Labcorp
Classification: Uncertain significance. Last evaluated: 2025-12-08. Review status: criteria provided, single submitter. Criteria: Invitae Variant Classification Sherloc (09022015). Collection method: clinical testing. Allele origin: germline.
Comment: This sequence change replaces proline, which is neutral and non-polar, with threonine, which is neutral and polar, at codon 95 of the COQ2 protein (p.Pro95Thr). This variant is present in population databases (no rsID available, gnomAD 0.006%). This variant has not been reported in the literature in individuals affected with COQ2-related conditions. ClinVar contains an entry for this variant (Variation ID: 1992779). An algorithm developed to predict the effect of missense changes on protein structure and function (PolyPhen-2) suggests that this variant is likely to be tolerated. In summary, the available evidence is currently insufficient to determine the role of this variant in disease. Therefore, it has been classified as a Variant of Uncertain Significance.